The following is an entry in ClinVar:

ClinVar aggregate classification (germline): Uncertain significance. Review status: criteria provided, multiple submitters, no conflicts (2 of 4 stars). 2 submissions from 2 submitters: Uncertain significance (2). Last evaluated 2025-12-02.

Conditions:
Inborn genetic diseases. Identifiers: MedGen C0950123, MeSH D030342.
Charcot-Marie-Tooth disease axonal type 2P. Also called: CHARCOT-MARIE-TOOTH NEUROPATHY, TYPE 2P; Charcot-Marie-Tooth Neuropathy Type 2G; CHARCOT-MARIE-TOOTH DISEASE, AXONAL, TYPE 2G; CMT 2G. Identifiers: Orphanet 300319, Orphanet 99941, MedGen C3280797, MONDO:0013753, OMIM 614436.

Allele frequency attached by ClinVar (database versions not stated): ExAC 0.00001; gnomAD exomes 0.00001; TOPMed 0.00001.
gnomAD v4.1: 17 of 1,613,038 alleles (0.0011%); highest among the groups gnomAD compares: South Asian, 0.0044%; no homozygotes.

Submissions (2):

Ambry Genetics
Classification: Uncertain significance for Inborn genetic diseases. Last evaluated: 2025-12-02. Review status: criteria provided, single submitter. Criteria: Ambry Variant Classification Scheme 2023. Collection method: clinical testing. Allele origin: germline.

Labcorp Genetics (formerly Invitae), Labcorp
Classification: Uncertain significance for Charcot-Marie-Tooth disease axonal type 2P. Last evaluated: 2022-10-25. Review status: criteria provided, single submitter. Criteria: Invitae Variant Classification Sherloc (09022015). Collection method: clinical testing. Allele origin: germline.
Comment: This sequence change replaces arginine, which is basic and polar, with glutamine, which is neutral and polar, at codon 624 of the LRSAM1 protein (p.Arg624Gln). This variant has not been reported in the literature in individuals affected with LRSAM1-related conditions. This variant is present in population databases (rs775743246, gnomAD 0.003%). In summary, the available evidence is currently insufficient to determine the role of this variant in disease. Therefore, it has been classified as a Variant of Uncertain Significance. Advanced modeling of protein sequence and biophysical properties (such as structural, functional, and spatial information, amino acid conservation, physicochemical variation, residue mobility, and thermodynamic stability) performed at Invitae indicates that this missense variant is not expected to disrupt LRSAM1 protein function. ClinVar contains an entry for this variant (Variation ID: 848335).

NM_001005373.4(LRSAM1):c.1871G>A (p.Arg624Gln)

Gene: LRSAM1 (leucine rich repeat and sterile alpha motif containing 1; plus strand). Cytogenetic location: 9q33.3.
Variant type: single nucleotide variant.
Coding change: c.1871G>A on transcript NM_001005373.4 (MANE Select); coding-DNA position 1871, G replaced by A.
Protein change: p.Arg624Gln; replaces arginine 624 with glutamine.
Molecular consequence: missense variant. On other transcripts: non-coding transcript variant (2).
Genome position (GRCh38, 1-based): chr9:127,497,293, G>A. VCF-style: chr9-127497293-G-A. GRCh37 (hg19) VCF-style: chr9-130259572-G-A.
Other names: c.1871G>A, p.Arg624Gln (NM_001005374.4, NM_001384142.1, NM_138361.5); c.1790G>A, p.Arg597Gln (NM_001190723.3); c.1772G>A, p.Arg591Gln (NM_001384143.1); c.1082G>A, p.Arg361Gln (NM_001384144.1); c.1871G>A (NM_138361.4); short protein forms R624Q, R597Q, R361Q, R591Q.
Identifiers: ClinVar variation 848335 (VCV000848335.11), dbSNP rs775743246, ClinGen allele CA5247167.